The following is an entry in ClinVar:

NM_001692.4(ATP6V1B1):c.1350G>C (p.Gln450His)

Gene: ATP6V1B1 (ATPase H+ transporting V1 subunit B1; plus strand). Cytogenetic location: 2p13.3.
Variant type: single nucleotide variant.
Coding change: c.1350G>C on transcript NM_001692.4 (MANE Select); coding-DNA position 1350, G replaced by C.
Protein change: p.Gln450His; replaces glutamine 450 with histidine.
Molecular consequence: missense variant.
Genome position (GRCh38, 1-based): chr2:70,964,837, G>C. VCF-style: chr2-70964837-G-C. GRCh37 (hg19) VCF-style: chr2-71191967-G-C.
Other names: short protein forms Q450H.
Identifiers: ClinVar variation 3364339 (VCV003364339.1).

ClinVar aggregate classification (germline): Uncertain significance (1 of 4 stars; one submission).

Submission:

GeneDx
Classification: Uncertain significance. Last evaluated: 2023-11-16. Review status: criteria provided, single submitter. Criteria: GeneDx Variant Classification Process June 2021. Collection method: clinical testing. Allele origin: germline. Affected: yes.
Comment: Not observed at significant frequency in large population cohorts (gnomAD); In silico analysis supports that this missense variant does not alter protein structure/function; Has not been previously published as pathogenic or benign to our knowledge